The following is an entry in ClinVar:

ClinVar aggregate classification (germline): Benign. Review status: criteria provided, multiple submitters, no conflicts (2 of 4 stars). 4 submissions from 4 submitters: Benign (3). 1 of the submissions does not count toward it. Last evaluated 2021-05-04.

Conditions:
KRT13-related disorder. Also called: KRT13-related condition.
White sponge nevus 2 (WSN2). Identifiers: MedGen C4014321, MONDO:0014346, OMIM 615785.

Allele frequency attached by ClinVar (database versions not stated): gnomAD exomes 0.05030 and 0.05197; ExAC 0.05345; gnomAD 0.07103 and 0.07279; 1000 Genomes Project 0.07428; ESP Exome Variant Server 0.07550; TOPMed 0.07607; 1000 Genomes Project 30x 0.07792.
gnomAD v4.1: 84,558 of 1,614,156 alleles (5.2%); highest among the groups gnomAD compares: African/African-American, 13%; 2,599 homozygotes.

Submissions (6):

GeneDx
Classification: Benign. Last evaluated: 2021-05-04. Review status: criteria provided, single submitter. Criteria: GeneDx Variant Classification Process June 2021. Collection method: clinical testing. Allele origin: germline. Affected: yes.

Illumina Laboratory Services, Illumina
Classification: Benign for White sponge nevus 2. Last evaluated: 2018-01-12. Review status: criteria provided, single submitter. Criteria: ICSL Variant Classification Criteria 13 December 2019. Collection method: clinical testing. Allele origin: germline.
Comment: This variant was observed in the ICSL laboratory as part of a predisposition screen in an ostensibly healthy population. It had not been previously curated by ICSL or reported in the Human Gene Mutation Database (HGMD: prior to June 1st, 2018), and was therefore a candidate for classification through an automated scoring system. Utilizing variant allele frequency, disease prevalence and penetrance estimates, and inheritance mode, an automated score was calculated to assess if this variant is too frequent to cause the disease. Based on the score and internal cut-off values, a variant classified as benign is not then subjected to further curation. The score for this variant resulted in a classification of benign for this disease.

Breakthrough Genomics
Classification: Benign. Review status: criteria provided, single submitter. Criteria: ACMG Guidelines, 2015. Collection method: not provided. Allele origin: germline. Inheritance: Autosomal dominant inheritance. Affected: yes.

PreventionGenetics, part of Exact Sciences
Classification: Benign for KRT13-related condition. Last evaluated: 2019-12-31. Review status: no assertion criteria provided. Collection method: clinical testing. Allele origin: germline. Not counted in ClinVar's aggregate classification.
Comment: This variant is classified as benign based on ACMG/AMP sequence variant interpretation guidelines (Richards et al. 2015 PMID: 25741868, with internal and published modifications).

Dr. Peter K. Rogan Lab, Western University
No classification provided (evidence only). Condition: Thymoma. Review status: no classification provided. Collection method: in vitro. Allele origin: not applicable. Functional consequence: retained intron. Not counted in ClinVar's aggregate classification.

Dr. Peter K. Rogan Lab, Western University
No classification provided (evidence only). Condition: Thymoma. Review status: no classification provided. Collection method: in vitro. Allele origin: not applicable. Functional consequence: retained intron. Not counted in ClinVar's aggregate classification.

NM_153490.3(KRT13):c.437C>G (p.Ala146Gly)

Gene: KRT13 (keratin 13; minus strand). Cytogenetic location: 17q21.2.
Variant type: single nucleotide variant.
Coding change: c.437C>G on transcript NM_153490.3 (MANE Select); coding-DNA position 437, C replaced by G.
Protein change: p.Ala146Gly; replaces alanine 146 with glycine.
Molecular consequence: missense variant.
Genome position (GRCh38, 1-based): chr17:41,505,114, G>C on the plus strand (C>G on the coding strand, the complement: KRT13 is on the minus strand). VCF-style: chr17-41505114-G-C. GRCh37 (hg19) VCF-style: chr17-39661366-G-C.
Other names: NC_000017.10:g.39661366G>C; c.437C>G, p.Ala146Gly (NM_002274.4); short protein forms A146G.
Identifiers: ClinVar variation 323101 (VCV000323101.11), dbSNP rs760134, ClinGen allele CA8560795.